The following is an entry in ClinVar:

NM_001377540.1(SLMAP):c.*17C>G

Gene: SLMAP (sarcolemma associated protein; plus strand). Cytogenetic location: 3p14.3.
Variant type: single nucleotide variant.
Coding change: c.*17C>G on transcript NM_001377540.1 (MANE Select); 17 bases downstream of the stop codon, C replaced by G.
Molecular consequence: 3 prime UTR variant. On other transcripts: missense variant (10), non-coding transcript variant (1).
Genome position (GRCh38, 1-based): chr3:57,927,306, C>G. VCF-style: chr3-57927306-C-G. GRCh37 (hg19) VCF-style: chr3-57913033-C-G.
Other names: c.2405C>G, p.Pro802Arg (NM_001304420.3); c.2291C>G, p.Pro764Arg (NM_001304421.2, NM_001377557.1); c.1007C>G, p.Pro336Arg (NM_001304422.3); c.809C>G, p.Pro270Arg (NM_001304423.3); c.*17C>G (NM_001311178.2, NM_001377541.1, NM_001377542.1 and 12 more transcripts); c.2477C>G, p.Pro826Arg (NM_001377538.1); c.2456C>G, p.Pro819Arg (NM_001377539.1); c.2342C>G, p.Pro781Arg (NM_001377551.1); and 2 more; short protein forms P781R, P826R, P295R, P336R, P819R, P270R, P764R, P785R.
Identifiers: ClinVar variation 3958282 (VCV003958282.1).
Genomic context (GRCh38, chr3:57,927,306, plus strand): 5'-GAAAAGAGAGGGGAGAATGTGATATTGACTCTTGGTTTCTTTCCACACAGAAACCCTGGC[C>G]CTGGATGCCCATGTTGGCTGCCCTGGTTGCAGTAACAGCCATCGTGCTGTACGTGCCAGG-3'

ClinVar aggregate classification (germline): Uncertain significance (1 of 4 stars; one submission).

Submission:

Ambry Genetics
Classification: Uncertain significance. Last evaluated: 2025-03-23. Review status: criteria provided, single submitter. Criteria: Ambry Variant Classification Scheme 2023. Collection method: clinical testing. Allele origin: germline.
Comment: The p.P785R variant (also known as c.2354C>G), located in coding exon 21 of the SLMAP gene, results from a C to G substitution at nucleotide position 2354. The proline at codon 785 is replaced by arginine, an amino acid with dissimilar properties. This amino acid position is conserved. In addition, the in silico prediction for this alteration is inconclusive. Based on the available evidence, the clinical significance of this variant remains unclear.